The following is an entry in ClinVar:

NM_003850.3(SUCLA2):c.965-12T>C

Gene: SUCLA2 (succinate-CoA ligase ADP-forming subunit beta; minus strand). Cytogenetic location: 13q14.2.
Variant type: single nucleotide variant.
Coding change: c.965-12T>C on transcript NM_003850.3 (MANE Select); 12 bases into the intron before coding-DNA position 965, T replaced by C.
Molecular consequence: intron variant.
Genome position (GRCh38, 1-based): chr13:47,954,294, A>G on the plus strand (T>C on the coding strand, the complement: SUCLA2 is on the minus strand). VCF-style: chr13-47954294-A-G. GRCh37 (hg19) VCF-style: chr13-48528429-A-G.
Identifiers: ClinVar variation 3363548 (VCV003363548.1).

ClinVar aggregate classification (germline): Uncertain significance (1 of 4 stars; one submission).

Submission:

GeneDx
Classification: Uncertain significance. Last evaluated: 2023-10-26. Review status: criteria provided, single submitter. Criteria: GeneDx Variant Classification Process June 2021. Collection method: clinical testing. Allele origin: germline. Affected: yes.
Comment: Not observed at significant frequency in large population cohorts (gnomAD); In silico analysis supports that this variant does not alter splicing; Has not been previously published as pathogenic or benign to our knowledge